The following is an entry in ClinVar:

NM_024753.5(TTC21B):c.2233T>G (p.Tyr745Asp)

Gene: TTC21B (tetratricopeptide repeat domain 21B; minus strand). Cytogenetic location: 2q24.3.
Variant type: single nucleotide variant.
Coding change: c.2233T>G on transcript NM_024753.5 (MANE Select); coding-DNA position 2233, T replaced by G.
Protein change: p.Tyr745Asp; replaces tyrosine 745 with aspartic acid.
Molecular consequence: missense variant.
Genome position (GRCh38, 1-based): chr2:165,912,603, A>C on the plus strand (T>G on the coding strand, the complement: TTC21B is on the minus strand). VCF-style: chr2-165912603-A-C. GRCh37 (hg19) VCF-style: chr2-166769113-A-C.
Other names: short protein forms Y745D.
Identifiers: ClinVar variation 2096338 (VCV002096338.4), dbSNP rs769153733, ClinGen allele CA349057966.
Genomic context (GRCh38, chr2:165,912,603, plus strand): 5'-CTTTGCCCATTTTGCTTGCCAATGTTCCATCTTTCGGGTTCTGATTTAATGCTTGCTCAT[A>C]TGCTACTATGGCTTCTTCAGGCTAATATTGCCAGACACAAAAAATAAGCAATAAAAAATA-3'
Protein context (NP_079029.3, residues 735-755): ILEPEEAIVA[Tyr745Asp]EQALNQNPKD

ClinVar aggregate classification (germline): Uncertain significance (1 of 4 stars; one submission).

Conditions:
Jeune thoracic dystrophy. Also called: Jeune syndrome; Infantile thoracic dystrophy; Thoracic pelvic phalangeal dystrophy; Jeune's syndrome; Chondroectodermal dysplasia-like syndrome; Short-rib thoracic dysplasia. Identifiers: Orphanet 474, MedGen C0265275, MONDO:0018770.
Nephronophthisis. Also called: Juvenile Nephronophthisis. Identifiers: Orphanet 655, MedGen C0687120, MONDO:0019005, HP:0000090.

gnomAD v4.1: 1 of 1,614,110 alleles (0.000062%); highest among the groups gnomAD compares: Non-Finnish European, 0.000085%; no homozygotes.

Submission:

Labcorp Genetics (formerly Invitae), Labcorp
Classification: Uncertain significance for Jeune thoracic dystrophy; Nephronophthisis. Last evaluated: 2024-03-11. Review status: criteria provided, single submitter. Criteria: Invitae Variant Classification Sherloc (09022015). Collection method: clinical testing. Allele origin: germline.
Comment: This sequence change replaces tyrosine, which is neutral and polar, with aspartic acid, which is acidic and polar, at codon 745 of the TTC21B protein (p.Tyr745Asp). This variant is not present in population databases (gnomAD no frequency). This variant has not been reported in the literature in individuals affected with TTC21B-related conditions. ClinVar contains an entry for this variant (Variation ID: 2096338). Advanced modeling of protein sequence and biophysical properties (such as structural, functional, and spatial information, amino acid conservation, physicochemical variation, residue mobility, and thermodynamic stability) has been performed at Invitae for this missense variant, however the output from this modeling did not meet the statistical confidence thresholds required to predict the impact of this variant on TTC21B protein function. In summary, the available evidence is currently insufficient to determine the role of this variant in disease. Therefore, it has been classified as a Variant of Uncertain Significance.